The following is an entry in ClinVar:

ClinVar aggregate classification (germline): Uncertain significance (1 of 4 stars; one submission).

Submission:

GeneDx
Classification: Uncertain significance. Last evaluated: 2026-03-02. Review status: criteria provided, single submitter. Criteria: GeneDx Variant Classification Process June 2021. Collection method: clinical testing. Allele origin: germline.
Comment: Not observed at significant frequency in large population cohorts (gnomAD); In silico analysis supports that this missense variant has a deleterious effect on protein structure/function; Has not been previously published as pathogenic or benign to our knowledge

NM_001080421.3(UNC13A):c.4843T>C (p.Tyr1615His)

Gene: UNC13A (unc-13 homolog A; minus strand). Cytogenetic location: 19p13.11.
Variant type: single nucleotide variant.
Coding change: c.4843T>C on transcript NM_001080421.3 (MANE Select); coding-DNA position 4843, T replaced by C.
Protein change: p.Tyr1615His; replaces tyrosine 1615 with histidine.
Molecular consequence: missense variant.
Genome position (GRCh38, 1-based): chr19:17,606,323, A>G on the plus strand (T>C on the coding strand, the complement: UNC13A is on the minus strand). VCF-style: chr19-17606323-A-G. GRCh37 (hg19) VCF-style: chr19-17717132-A-G.
Other names: c.4831T>C, p.Tyr1611His (NM_001387021.1); c.4828T>C, p.Tyr1610His (NM_001387022.1); c.4762T>C, p.Tyr1588His (NM_001387023.1); short protein forms Y1611H, Y1588H, Y1610H, Y1615H.
Identifiers: ClinVar variation 5007995 (VCV005007995.1).